The following is an entry in ClinVar:

NM_015450.3(POT1):c.1066G>A (p.Ala356Thr)

Gene: POT1 (protection of telomeres 1; minus strand). Cytogenetic location: 7q31.33.
Variant type: single nucleotide variant.
Coding change: c.1066G>A on transcript NM_015450.3 (MANE Select); coding-DNA position 1066, G replaced by A.
Protein change: p.Ala356Thr; replaces alanine 356 with threonine.
Molecular consequence: missense variant. On other transcripts: non-coding transcript variant (3).
Genome position (GRCh38, 1-based): chr7:124,842,904, C>T on the plus strand (G>A on the coding strand, the complement: POT1 is on the minus strand). VCF-style: chr7-124842904-C-T. GRCh37 (hg19) VCF-style: chr7-124482958-C-T.
Other names: c.673G>A, p.Ala225Thr (NM_001042594.2); c.1066G>A (NM_015450.2); short protein forms A225T, A356T.
Identifiers: ClinVar variation 2817805 (VCV002817805.4), dbSNP rs2485402337, ClinGen allele CA369068452.

ClinVar aggregate classification (germline): Uncertain significance. Review status: criteria provided, multiple submitters, no conflicts (2 of 4 stars). 2 submissions from 2 submitters: Uncertain significance (2). Last evaluated 2024-04-12.

Conditions:
Tumor predisposition syndrome 3 (TPDS3). Also called: Melanoma, cutaneous malignant, susceptibility to, 10; LONG TELOMERE SYNDROME, POT1-RELATED; POT1 Tumor Predisposition; Glioma susceptibility 9. Identifiers: Orphanet 618, MedGen C4014476, MONDO:0014368, OMIM 615848.
Hereditary cancer-predisposing syndrome. Also called: Neoplastic Syndromes, Hereditary; Hereditary neoplastic syndrome; Hereditary Cancer Syndrome; Tumor predisposition. Identifiers: Orphanet 140162, MedGen C0027672, MeSH D009386, MONDO:0015356.

Submissions (2):

Ambry Genetics
Classification: Uncertain significance for Hereditary cancer-predisposing syndrome. Last evaluated: 2024-04-12. Review status: criteria provided, single submitter. Criteria: Ambry Variant Classification Scheme 2023. Collection method: clinical testing. Allele origin: germline.
Comment: The p.A356T variant (also known as c.1066G>A), located in coding exon 9 of the POT1 gene, results from a G to A substitution at nucleotide position 1066. The alanine at codon 356 is replaced by threonine, an amino acid with similar properties. This amino acid position is conserved. In addition, this alteration is predicted to be tolerated by in silico analysis. Based on the available evidence, the clinical significance of this variant remains unclear.

Labcorp Genetics (formerly Invitae), Labcorp
Classification: Uncertain significance for Tumor predisposition syndrome 3. Last evaluated: 2022-12-01. Review status: criteria provided, single submitter. Criteria: Invitae Variant Classification Sherloc (09022015). Collection method: clinical testing. Allele origin: germline.
Comment: In summary, the available evidence is currently insufficient to determine the role of this variant in disease. Therefore, it has been classified as a Variant of Uncertain Significance. Advanced modeling of protein sequence and biophysical properties (such as structural, functional, and spatial information, amino acid conservation, physicochemical variation, residue mobility, and thermodynamic stability) performed at Invitae indicates that this missense variant is not expected to disrupt POT1 protein function. This variant has not been reported in the literature in individuals affected with POT1-related conditions. This variant is not present in population databases (gnomAD no frequency). This sequence change replaces alanine, which is neutral and non-polar, with threonine, which is neutral and polar, at codon 356 of the POT1 protein (p.Ala356Thr).